The following is an entry in ClinVar:

NM_001009566.3(CLSTN1):c.2713G>A (p.Asp905Asn)

Gene: CLSTN1 (calsyntenin 1; minus strand). Cytogenetic location: 1p36.22.
Variant type: single nucleotide variant.
Coding change: c.2713G>A on transcript NM_001009566.3 (MANE Select); coding-DNA position 2713, G replaced by A.
Protein change: p.Asp905Asn; replaces aspartic acid 905 with asparagine.
Molecular consequence: missense variant.
Genome position (GRCh38, 1-based): chr1:9,731,241, C>T on the plus strand (G>A on the coding strand, the complement: CLSTN1 is on the minus strand). VCF-style: chr1-9731241-C-T. GRCh37 (hg19) VCF-style: chr1-9791299-C-T.
Other names: c.2656G>A, p.Asp886Asn (NM_001302883.1); c.2683G>A, p.Asp895Asn (NM_014944.4); short protein forms D886N, D895N, D905N.
Identifiers: ClinVar variation 4869025 (VCV004869025.1).

ClinVar aggregate classification (germline): Uncertain significance (1 of 4 stars; one submission).

Submission:

Ambry Genetics
Classification: Uncertain significance. Last evaluated: 2026-05-14. Review status: criteria provided, single submitter. Criteria: Ambry Variant Classification Scheme 2023. Collection method: clinical testing. Allele origin: germline.
Comment: The c.2713G>A (p.D905N) alteration is located in exon 18 (coding exon 18) of the CLSTN1 gene. This alteration results from a G to A substitution at nucleotide position 2713, causing the aspartic acid (D) at amino acid position 905 to be replaced by an asparagine (N). Based on data from gnomAD, the A allele has an overall frequency of <0.001% (1/251442) total alleles studied. The highest observed frequency was 0.006% (1/16256) of African alleles. Based on insufficient or conflicting evidence, the clinical significance of this alteration remains unclear.